The following is an entry in ClinVar:

ClinVar aggregate classification (germline): Pathogenic (1 of 4 stars; one submission).

Conditions:
Gorlin syndrome. Also called: Nevoid Basal Cell Carcinoma Syndrome; Basal cell nevus syndrome. Identifiers: Orphanet 377, MedGen C0004779, MONDO:0007187.

Submission:

Labcorp Genetics (formerly Invitae), Labcorp
Classification: Pathogenic for Gorlin syndrome. Last evaluated: 2019-09-26. Review status: criteria provided, single submitter. Criteria: Invitae Variant Classification Sherloc (09022015). Collection method: clinical testing. Allele origin: germline.
Comment: This sequence change creates a premature translational stop signal (p.Gly445Lysfs*12) in the PTCH1 gene. It is expected to result in an absent or disrupted protein product. This variant is not present in population databases (ExAC no frequency). This variant has not been reported in the literature in individuals with PTCH1-related conditions. Loss-of-function variants in PTCH1 are known to be pathogenic (PMID: 16301862, 16419085). For these reasons, this variant has been classified as Pathogenic.

NM_000264.5(PTCH1):c.1332_1333insAA (p.Gly445fs)

Gene: PTCH1 (patched 1; minus strand). Cytogenetic location: 9q22.32.
Variant type: Insertion.
Coding change: c.1332_1333insAA on transcript NM_000264.5 (MANE Select); coding-DNA positions 1332 to 1333, AA inserted.
Protein change: p.Gly445fs; shifts the reading frame from glycine 445.
Molecular consequence: frameshift variant. On other transcripts: non-coding transcript variant (1).
Genome position: GRCh38 VCF-style: chr9-95478069-C-CTT. GRCh37 (hg19) VCF-style: chr9-98240351-C-CTT.
Other names: c.1134_1135insAA, p.Gly379fs (NM_001083602.3); c.1329_1330insAA, p.Gly444fs (NM_001083603.3); c.879_880insAA, p.Gly294fs (NM_001083604.3, NM_001083605.3, NM_001083606.3 and 1 more transcripts); c.1332_1333insAA, p.Gly445fs (NM_001354918.2); short protein forms G444fs, G294fs, G445fs, G379fs.
Identifiers: ClinVar variation 935430 (VCV000935430.1), dbSNP rs1841217203, ClinGen allele CA1139659370.